The following is an entry in ClinVar:

ClinVar aggregate classification (germline): Likely benign. Review status: criteria provided, multiple submitters, no conflicts (2 of 4 stars). 2 submissions from 2 submitters: Likely benign (2). Last evaluated 2025-09-15.

Conditions:
Dilated cardiomyopathy 1G (CMD1G). Identifiers: Orphanet 154, MedGen C1858763, MONDO:0011400, OMIM 604145.
Autosomal recessive limb-girdle muscular dystrophy type 2J (LGMDR10). Also called: Limb-girdle muscular dystrophy, type 2J; MUSCULAR DYSTROPHY, LIMB-GIRDLE, AUTOSOMAL RECESSIVE 10. Identifiers: Orphanet 140922, MedGen C1837342, MONDO:0012127, OMIM 608807.

Submissions (2):

Women's Health and Genetics/Laboratory Corporation of America, LabCorp
Classification: Likely benign. Last evaluated: 2025-09-15. Review status: criteria provided, single submitter. Criteria: LabCorp Variant Classification Summary - May 2015. Collection method: clinical testing. Allele origin: germline.
Comment: Variant summary: TTN c.27863-18G>T alters a non-conserved nucleotide located at a position not widely known to affect splicing. Consensus agreement among computation tools predicts no significant impact on normal splicing. However, these predictions have yet to be confirmed by functional studies. The frequency data for this variant in gnomAD is considered unreliable, as metrics indicate poor data quality at this position. To our knowledge, no occurrence of c.27863-18G>T in individuals affected with TTN-related conditions and no experimental evidence demonstrating its impact on protein function have been reported. No submitters have cited clinical-significance assessments for this variant to ClinVar. Based on the evidence outlined above, the variant was classified as likely benign.

Labcorp Genetics (formerly Invitae), Labcorp
Classification: Likely benign for Dilated cardiomyopathy 1G; Autosomal recessive limb-girdle muscular dystrophy type 2J. Last evaluated: 2025-06-29. Review status: criteria provided, single submitter. Criteria: Invitae Variant Classification Sherloc (09022015). Collection method: clinical testing. Allele origin: germline.

NM_001267550.2(TTN):c.31595-18G>T

Gene: TTN (titin; minus strand). Cytogenetic location: 2q31.2.
Variant type: single nucleotide variant.
Coding change: c.31595-18G>T on transcript NM_001267550.2 (MANE Select); 18 bases into the intron before coding-DNA position 31595, G replaced by T.
Molecular consequence: intron variant.
Genome position (GRCh38, 1-based): chr2:178,692,598, C>A on the plus strand (G>T on the coding strand, the complement: TTN is on the minus strand). VCF-style: chr2-178692598-C-A. GRCh37 (hg19) VCF-style: chr2-179557325-C-A.
Other names: c.13282+45484G>T (NM_003319.4); c.13858+45484G>T (NM_133437.4); c.13657+45484G>T (NM_133432.3); c.27863-18G>T (NM_133378.4); c.30644-18G>T (NM_001256850.1).
Identifiers: ClinVar variation 4535516 (VCV004535516.2).